The following is an entry in ClinVar:

NM_007294.4(BRCA1):c.5386T>A (p.Ser1796Thr)

Gene: BRCA1 (BRCA1 DNA repair associated; minus strand). Cytogenetic location: 17q21.31.
Variant type: single nucleotide variant.
Coding change: c.5386T>A on transcript NM_007294.4 (MANE Select); coding-DNA position 5386, T replaced by A.
Protein change: p.Ser1796Thr; replaces serine 1796 with threonine.
Molecular consequence: missense variant. On other transcripts: non-coding transcript variant (1), intron variant (1).
Genome position (GRCh38, 1-based): chr17:43,049,141, A>T on the plus strand (T>A on the coding strand, the complement: BRCA1 is on the minus strand). VCF-style: chr17-43049141-A-T. GRCh37 (hg19) VCF-style: chr17-41201158-A-T.
Other names: c.1948T>A, p.Ser650Thr (NM_001408445.1, NM_001408446.1, NM_001408447.1 and 2 more transcripts); c.1942T>A, p.Ser648Thr (NM_001408451.1); c.1936T>A, p.Ser646Thr (NM_001408452.1, NM_001408453.1, NM_001408454.1 and 3 more transcripts); c.5173T>A, p.Ser1725Thr (NM_001407571.1, NM_001407898.1, NM_001407899.1 and 12 more transcripts); c.5452T>A, p.Ser1818Thr (NM_001407581.1, NM_001407582.1); c.5449T>A, p.Ser1817Thr (NM_001407583.1, NM_001407585.1, NM_001407587.1 and 1 more transcripts); c.5446T>A, p.Ser1816Thr (NM_001407590.1, NM_001407591.1); c.5386T>A, p.Ser1796Thr (NM_001407593.1, NM_001407594.1, NM_001407596.1 and 5 more transcripts); and 73 more; short protein forms S692T, S1749T, S1796T, S1817T, S1668T, S1683T, S1707T, S1726T.
Identifiers: ClinVar variation 868405 (VCV000868405.3), dbSNP rs2051078701, ClinGen allele CA10590703.
Genomic context (GRCh38, chr17:43,049,141, plus strand): 5'-TATTGTGTCCTCCCTCTCTGACAGGGCACCCAATACTTACTGTGCCAAGGGTGAATGATG[A>T]AAGCTCCTTCACCACAGAAGCACCACACAGCTGTACCATCCATTCCAGTTGATCTAAAAT-3'
Protein context (NP_009225.1, residues 1786-1806): LCGASVVKEL[Ser1796Thr]SFTLGTGVHP

Conditions:
Breast-ovarian cancer, familial, susceptibility to, 1 (BROVCA1). Also called: BRCA1 Hereditary Breast and Ovarian Cancer; OVARIAN CANCER, SUSCEPTIBILITY TO. Identifiers: Orphanet 145, MedGen C2676676, MONDO:0011450, OMIM 604370. Disease mechanism: loss of function.

Submission:

Brotman Baty Institute, University of Washington
No classification provided (evidence only). Condition: Breast-ovarian cancer, familial 1. Review status: no classification provided. Collection method: in vitro. Allele origin: not applicable. Functional consequence: functionally_normal.
ClinVar note: "not provided" was previously submitted as the classification for the variant. However, the classification appeared to be based only on an observation of functional data so it was converted to no classification on 2025-07-30.